The following is an entry in ClinVar:

ClinVar aggregate classification (germline): Uncertain significance (1 of 4 stars; one submission).

gnomAD v4.1: 1 of 1,602,742 alleles (0.000062%); highest among the groups gnomAD compares: East Asian, 0.0022%; no homozygotes.

Submission:

GeneDx
Classification: Uncertain significance. Last evaluated: 2026-03-23. Review status: criteria provided, single submitter. Criteria: GeneDx Variant Classification Process June 2021. Collection method: clinical testing. Allele origin: germline.
Comment: Not observed at significant frequency in large population cohorts (gnomAD); In silico analysis supports that this missense variant has a deleterious effect on protein structure/function; Has not been previously published as pathogenic or benign to our knowledge

NM_001852.4(COL9A2):c.388C>G (p.Pro130Ala)

Gene: COL9A2 (collagen type IX alpha 2 chain; minus strand). Cytogenetic location: 1p34.2.
Variant type: single nucleotide variant.
Coding change: c.388C>G on transcript NM_001852.4 (MANE Select); coding-DNA position 388, C replaced by G.
Protein change: p.Pro130Ala; replaces proline 130 with alanine.
Molecular consequence: missense variant.
Genome position (GRCh38, 1-based): chr1:40,312,088, G>C on the plus strand (C>G on the coding strand, the complement: COL9A2 is on the minus strand). VCF-style: chr1-40312088-G-C. GRCh37 (hg19) VCF-style: chr1-40777760-G-C.
Other names: short protein forms P130A.
Identifiers: ClinVar variation 5016782 (VCV005016782.1).